The following is an entry in ClinVar:

NM_003978.5(PSTPIP1):c.655C>T (p.Gln219Ter)

Gene: PSTPIP1 (proline-serine-threonine phosphatase interacting protein 1; plus strand). Cytogenetic location: 15q24.3.
Variant type: single nucleotide variant.
Coding change: c.655C>T on transcript NM_003978.5 (MANE Select); coding-DNA position 655, C replaced by T.
Protein change: p.Gln219Ter; replaces glutamine 219 with a stop codon.
Molecular consequence: nonsense. On other transcripts: non-coding transcript variant (1).
Genome position (GRCh38, 1-based): chr15:77,031,192, C>T. VCF-style: chr15-77031192-C-T. GRCh37 (hg19) VCF-style: chr15-77323533-C-T.
Other names: c.655C>T, p.Gln219Ter (NM_001321135.2); c.628C>T, p.Gln210Ter (NM_001321136.2); c.850C>T, p.Gln284Ter (NM_001321137.1); c.655C>T (NM_003978.4); short protein forms Q219*, Q284*, Q210*.
Identifiers: ClinVar variation 573665 (VCV000573665.10), dbSNP rs751668240, ClinGen allele CA7675930.

ClinVar aggregate classification (germline): Uncertain significance. Review status: criteria provided, multiple submitters, no conflicts (2 of 4 stars). 3 submissions from 3 submitters: Uncertain significance (3). Last evaluated 2026-08-07.

Conditions:
PSTPIP1-related disorder. Also called: PSTPIP1-related condition.
Pyogenic arthritis-pyoderma gangrenosum-acne syndrome (PAPA). Also called: FAMILIAL RECURRENT ARTHRITIS; PAPA SYNDROME. Identifiers: Orphanet 69126, MedGen C1858361, MONDO:0011462, OMIM 604416.

Allele frequency attached by ClinVar (database versions not stated): ExAC 0.00002; gnomAD exomes 0.00002 and 0.00004; gnomAD 0.00003; TOPMed 0.00003.
gnomAD v4.1: 38 of 1,612,620 alleles (0.0024%); highest among the groups gnomAD compares: Admixed American, 0.018%; no homozygotes.

Submissions (3):

PreventionGenetics, part of Exact Sciences
Classification: Uncertain significance for PSTPIP1-related condition. Last evaluated: 2026-08-07. Review status: criteria provided, single submitter. Criteria: ACMG Guidelines, 2015. Collection method: clinical testing. Allele origin: germline.
Comment: The PSTPIP1 c.655C>T variant is predicted to result in premature protein termination (p.Gln219*). This variant (also described as NM_001321137:c.850C>T (p.Gln284*)) has been reported in individuals with primary immunodeficiency (Elsink et al. 2020. PubMed ID: 32733070; Table S2, Platt et al. 2021. PubMed ID: 32888943; Metpally et al. 2024. PubMed ID: 39396498). This variant is reported in 0.025% of alleles in individuals of Latino descent in gnomAD. Loss of function is not an established mechanism of PSTPIP1-related disease. At this time, the clinical significance of this variant is uncertain due to the absence of conclusive functional and genetic evidence.

Women's Health and Genetics/Laboratory Corporation of America, LabCorp
Classification: Uncertain significance. Last evaluated: 2025-11-03. Review status: criteria provided, single submitter. Criteria: LabCorp Variant Classification Summary - May 2015. Collection method: clinical testing. Allele origin: germline.
Comment: Variant summary: PSTPIP1 c.655C>T (p.Gln219X) results in a premature termination codon, predicted to cause a truncation of the encoded protein or absence of the protein due to nonsense mediated decay, however current evidence is not sufficient to establish loss of function as a mechanism for disease. The variant allele was found at a frequency of 3.6e-05 in 247856 control chromosomes (gnomAD). The available data on variant occurrences in the general population are insufficient to allow any conclusion about variant significance. c.655C>T has been observed in individuals affected with Primary immunodeficiency or Hidradenitis suppurativa (Platt_2021, Metpally_2024). These reports do not provide unequivocal conclusions about association of the variant with Pyogenic arthritis-pyoderma gangrenosum-acne syndrome. To our knowledge, no experimental evidence demonstrating an impact on protein function has been reported. The following publications have been ascertained in the context of this evaluation (PMID: 32888943, 39396498). ClinVar contains an entry for this variant (Variation ID: 573665). Based on the evidence outlined above, the variant was classified as uncertain significance.

Labcorp Genetics (formerly Invitae), Labcorp
Classification: Uncertain significance for Pyogenic arthritis-pyoderma gangrenosum-acne syndrome. Last evaluated: 2025-08-04. Review status: criteria provided, single submitter. Criteria: Invitae Variant Classification Sherloc (09022015). Collection method: clinical testing. Allele origin: germline.
Comment: This sequence change creates a premature translational stop signal (p.Gln219*) in the PSTPIP1 gene. It is expected to result in an absent or disrupted protein product. However, the current clinical and genetic evidence is not sufficient to establish whether loss-of-function variants in PSTPIP1 cause disease. The frequency data for this variant in the population databases is considered unreliable, as metrics indicate poor data quality at this position in the gnomAD database. This premature translational stop signal has been observed in individual(s) with suspected primary immunodeficiency (PMID: 32888943). This variant is also known as c.850C>T (p.Gln284Ter). ClinVar contains an entry for this variant (Variation ID: 573665). In summary, the available evidence is currently insufficient to determine the role of this variant in disease. Therefore, it has been classified as a Variant of Uncertain Significance.

Literature cited by the submitters: PubMed 32888943 (cited by Women's Health and Genetics/Laboratory Corporation of America, LabCorp and Labcorp Genetics (formerly Invitae), Labcorp); PubMed 39396498 (cited by Women's Health and Genetics/Laboratory Corporation of America, LabCorp).